The following is an entry in ClinVar:

NM_020693.4(DSCAML1):c.4230C>T (p.Gly1410=)

Gene: DSCAML1 (DS cell adhesion molecule like 1; minus strand). Cytogenetic location: 11q23.3.
Variant type: single nucleotide variant.
Coding change: c.4230C>T on transcript NM_020693.4 (MANE Select); coding-DNA position 4230, C replaced by T.
Protein change: p.Gly1410=; no amino-acid change (glycine 1410 retained).
Molecular consequence: synonymous variant.
Genome position (GRCh38, 1-based): chr11:117,438,898, G>A on the plus strand (C>T on the coding strand, the complement: DSCAML1 is on the minus strand). VCF-style: chr11-117438898-G-A. GRCh37 (hg19) VCF-style: chr11-117309614-G-A.
Identifiers: ClinVar variation 1949566 (VCV001949566.5), dbSNP rs2543002290, ClinGen allele CA476901133.

ClinVar aggregate classification (germline): Uncertain significance (1 of 4 stars; one submission).

Submission:

Labcorp Genetics (formerly Invitae), Labcorp
Classification: Uncertain significance. Last evaluated: 2022-02-09. Review status: criteria provided, single submitter. Criteria: Invitae Variant Classification Sherloc (09022015). Collection method: clinical testing. Allele origin: germline.
Comment: In summary, the available evidence is currently insufficient to determine the role of this variant in disease. Therefore, it has been classified as a Variant of Uncertain Significance. Algorithms developed to predict the effect of sequence changes on RNA splicing suggest that this variant may create or strengthen a splice site. This variant has not been reported in the literature in individuals affected with DSCAML1-related conditions. This variant is not present in population databases (gnomAD no frequency). This sequence change affects codon 1470 of the DSCAML1 mRNA. It is a 'silent' change, meaning that it does not change the encoded amino acid sequence of the DSCAML1 protein.